The following is an entry in ClinVar:

NM_006231.4(POLE):c.2026A>G (p.Met676Val)

Gene: POLE (DNA polymerase epsilon, catalytic subunit; minus strand). Cytogenetic location: 12q24.33.
Variant type: single nucleotide variant.
Coding change: c.2026A>G on transcript NM_006231.4 (MANE Select); coding-DNA position 2026, A replaced by G.
Protein change: p.Met676Val; replaces methionine 676 with valine.
Molecular consequence: missense variant.
Genome position (GRCh38, 1-based): chr12:132,668,635, T>C on the plus strand (A>G on the coding strand, the complement: POLE is on the minus strand). VCF-style: chr12-132668635-T-C. GRCh37 (hg19) VCF-style: chr12-133245221-T-C.
Other names: short protein forms M676V.
Identifiers: ClinVar variation 580532 (VCV000580532.11), dbSNP rs1447713785, ClinGen allele CA387354626.
Genomic context (GRCh38, chr12:132,668,635, plus strand): 5'-GCGGCCGACACTCACCCACCCGTTTCCCACCGAGTGCCCACCCAGGCGGCCGACACTCAC[T>C]GAACTCGCCCCTCCACTGCCAGGCCATCTTCCGCTGGCAGTTTGCTCCAGGCTTATTGAA-3'
Protein context (NP_006222.2, residues 666-686): KMAWQWRGEF[Met676Val]PASRSEYHRI

ClinVar aggregate classification (germline): Uncertain significance. Review status: criteria provided, multiple submitters, no conflicts (2 of 4 stars). 2 submissions from 2 submitters: Uncertain significance (2). Last evaluated 2022-08-31.

Conditions:
Colorectal cancer, susceptibility to, 12 (CRCS12). Also called: COLORECTAL CANCER, SUSCEPTIBILITY TO, ON CHROMOSOME 12q24. Identifiers: Orphanet 220460, MedGen C3554460, MONDO:0014038, OMIM 615083.

Allele frequency attached by ClinVar (database versions not stated): gnomAD exomes below 0.00001.
gnomAD v4.1: 1 of 1,609,396 alleles (0.000062%); highest among the groups gnomAD compares: Non-Finnish European, 0.000085%; no homozygotes.

Submissions (2):

St. Jude Molecular Pathology, St. Jude Children's Research Hospital
Classification: Uncertain significance for Colorectal cancer, susceptibility to, 12. Last evaluated: 2022-08-31. Review status: criteria provided, single submitter. Criteria: St. Jude Assertion Criteria 2020. Collection method: clinical testing. Allele origin: germline.
Comment: The POLE c.2026A>G (p.Met676Val) missense change has a maximum subpopulation frequency of 0.00088% in gnomAD v2.1.1. The variant changes the last base of exon 18 of the POLE gene. Algorithms that predict the impact of sequence changes on splicing indicate that this variant does not affect splicing (BP4), and internal RNA data supports this prediction. The in silico tool REVEL predicts a benign effect on protein function, but to our knowledge this prediction has not been confirmed by functional studies. To our knowledge, this variant has not been reported in individuals with POLE-associated polyposis, FILS syndrome, or IMAGE-I syndrome. In summary, the evidence currently available is insufficient to determine the clinical significance of this variant. It has therefore been classified as of uncertain significance.

Labcorp Genetics (formerly Invitae), Labcorp
Classification: Uncertain significance. Last evaluated: 2022-05-12. Review status: criteria provided, single submitter. Criteria: Invitae Variant Classification Sherloc (09022015). Collection method: clinical testing. Allele origin: germline.
Comment: This variant has not been reported in the literature in individuals affected with POLE-related conditions. This variant is present in population databases (no rsID available, gnomAD 0.0009%). This sequence change replaces methionine, which is neutral and non-polar, with valine, which is neutral and non-polar, at codon 676 of the POLE protein (p.Met676Val). ClinVar contains an entry for this variant (Variation ID: 580532). In summary, the available evidence is currently insufficient to determine the role of this variant in disease. Therefore, it has been classified as a Variant of Uncertain Significance. Algorithms developed to predict the effect of sequence changes on RNA splicing suggest that this variant may create or strengthen a splice site. Algorithms developed to predict the effect of missense changes on protein structure and function (SIFT, PolyPhen-2, Align-GVGD) all suggest that this variant is likely to be tolerated.